The following is an entry in ClinVar:

NM_000297.4(PKD2):c.1767del (p.Met590fs)

Gene: PKD2 (polycystin 2, transient receptor potential cation channel; plus strand). Cytogenetic location: 4q22.1.
Variant type: Deletion.
Coding change: c.1767del on transcript NM_000297.4 (MANE Select); coding-DNA position 1767, one base deleted (C; older notation c.1767delC).
Protein change: p.Met590fs; shifts the reading frame from methionine 590.
Molecular consequence: frameshift variant. On other transcripts: non-coding transcript variant (1).
Genome position (GRCh38, 1-based): chr4:88,056,136, C deleted; the last of 2 consecutive C bases (chr4:88,056,135-88,056,136); deleting either gives the same sequence. VCF-style (leftmost placement, unchanged base first): chr4-88056134-AC-A. GRCh37 (hg19) VCF-style: chr4-88977286-AC-A.
Other names: short protein forms M590fs.
Identifiers: ClinVar variation 3648695 (VCV003648695.2).

ClinVar aggregate classification (germline): Pathogenic (1 of 4 stars; one submission).

Conditions:
Autosomal dominant polycystic kidney disease. Identifiers: Orphanet 730, MedGen C0085413, MONDO:0004691.

Submission:

Labcorp Genetics (formerly Invitae), Labcorp
Classification: Pathogenic for Autosomal dominant polycystic kidney disease. Last evaluated: 2024-04-03. Review status: criteria provided, single submitter. Criteria: Invitae Variant Classification Sherloc (09022015). Collection method: clinical testing. Allele origin: germline.
Comment: This sequence change creates a premature translational stop signal (p.Met590Cysfs*20) in the PKD2 gene. It is expected to result in an absent or disrupted protein product. Loss-of-function variants in PKD2 are known to be pathogenic (PMID: 17582161, 22863349). This variant is not present in population databases (gnomAD no frequency). This variant has not been reported in the literature in individuals affected with PKD2-related conditions. For these reasons, this variant has been classified as Pathogenic.

Literature cited by the submitters: PubMed 17582161; PubMed 22863349.